The following is an entry in ClinVar:

ClinVar aggregate classification (germline): Uncertain significance (1 of 4 stars; one submission).

Conditions:
RASopathy. Also called: rasopathies; Noonan spectrum disorder. Identifiers: Orphanet 536391, MedGen C5555857, MONDO:0021060.

Submission:

Labcorp Genetics (formerly Invitae), Labcorp
Classification: Uncertain significance for RASopathy. Last evaluated: 2025-03-30. Review status: criteria provided, single submitter. Criteria: Invitae Variant Classification Sherloc (09022015). Collection method: clinical testing. Allele origin: germline.
Comment: This sequence change affects codon 213 of the SOS1 mRNA. It is a 'silent' change, meaning that it does not change the encoded amino acid sequence of the SOS1 protein. This variant is not present in population databases (gnomAD no frequency). This variant has not been reported in the literature in individuals affected with SOS1-related conditions. Algorithms developed to predict the effect of sequence changes on RNA splicing suggest that this variant may disrupt the consensus splice site. In summary, the available evidence is currently insufficient to determine the role of this variant in disease. Therefore, it has been classified as a Variant of Uncertain Significance.

NM_005633.4(SOS1):c.637C>A (p.Arg213=)

Gene: SOS1 (SOS Ras/Rac guanine nucleotide exchange factor 1; minus strand). Cytogenetic location: 2p22.1.
Variant type: single nucleotide variant.
Coding change: c.637C>A on transcript NM_005633.4 (MANE Select); coding-DNA position 637, C replaced by A.
Protein change: p.Arg213=; no amino-acid change (arginine 213 retained).
Molecular consequence: synonymous variant.
Genome position (GRCh38, 1-based): chr2:39,054,697, G>T on the plus strand (C>A on the coding strand, the complement: SOS1 is on the minus strand). VCF-style: chr2-39054697-G-T. GRCh37 (hg19) VCF-style: chr2-39281838-G-T.
Other names: c.616C>A, p.Arg206= (NM_001382394.1); c.637C>A, p.Arg213= (NM_001382395.1).
Identifiers: ClinVar variation 4716296 (VCV004716296.1).